The following is an entry in ClinVar:

NM_003801.4(GPAA1):c.1293G>A (p.Leu431=)

Gene: GPAA1 (glycosylphosphatidylinositol anchor attachment 1; plus strand). Cytogenetic location: 8q24.3.
Variant type: single nucleotide variant.
Coding change: c.1293G>A on transcript NM_003801.4 (MANE Select); coding-DNA position 1293, G replaced by A.
Protein change: p.Leu431=; no amino-acid change (leucine 431 retained).
Molecular consequence: synonymous variant.
Genome position (GRCh38, 1-based): chr8:144,085,321, G>A. VCF-style: chr8-144085321-G-A. GRCh37 (hg19) VCF-style: chr8-145140224-G-A.
Identifiers: ClinVar variation 1555746 (VCV001555746.22), dbSNP rs781802187, ClinGen allele CA4933135.

ClinVar aggregate classification (germline): Likely benign. Review status: criteria provided, multiple submitters, no conflicts (2 of 4 stars). 2 submissions from 2 submitters: Likely benign (2). Last evaluated 2025-03-05.

Allele frequency attached by ClinVar (database versions not stated): gnomAD 0.00001; ExAC 0.00005; gnomAD exomes 0.00007.
gnomAD v4.1: 51 of 1,609,374 alleles (0.0032%); highest among the groups gnomAD compares: South Asian, 0.042%; 2 homozygotes.

Submissions (2):

Labcorp Genetics (formerly Invitae), Labcorp
Classification: Likely benign. Last evaluated: 2025-03-05. Review status: criteria provided, single submitter. Criteria: Invitae Variant Classification Sherloc (09022015). Collection method: clinical testing. Allele origin: germline.

CeGaT Center for Human Genetics Tuebingen
Classification: Likely benign. Last evaluated: 2024-10-01. Review status: criteria provided, single submitter. Criteria: CeGaT Center For Human Genetics Tuebingen Variant Classification Criteria Version 2. Collection method: clinical testing. Allele origin: germline. Affected: yes. Observed: 1 variant allele.
Comment: GPAA1: BP4